The following is an entry in ClinVar:

ClinVar aggregate classification (germline): Uncertain significance (1 of 4 stars; one submission).

Allele frequency attached by ClinVar (database versions not stated): gnomAD exomes below 0.00001.

Submission:

Labcorp Genetics (formerly Invitae), Labcorp
Classification: Uncertain significance. Last evaluated: 2022-06-13. Review status: criteria provided, single submitter. Criteria: Invitae Variant Classification Sherloc (09022015). Collection method: clinical testing. Allele origin: germline.
Comment: In summary, the available evidence is currently insufficient to determine the role of this variant in disease. Therefore, it has been classified as a Variant of Uncertain Significance. Algorithms developed to predict the effect of missense changes on protein structure and function are either unavailable or do not agree on the potential impact of this missense change (SIFT: "Deleterious"; PolyPhen-2: "Possibly Damaging"; Align-GVGD: "Class C0"). ClinVar contains an entry for this variant (Variation ID: 954514). This variant has not been reported in the literature in individuals affected with SZT2-related conditions. This variant is present in population databases (no rsID available, gnomAD 0.007%). This sequence change replaces isoleucine, which is neutral and non-polar, with threonine, which is neutral and polar, at codon 316 of the SZT2 protein (p.Ile316Thr).

NM_001365999.1(SZT2):c.947T>C (p.Ile316Thr)

Gene: SZT2 (SZT2 subunit of KICSTOR complex; plus strand). Cytogenetic location: 1p34.2.
Variant type: single nucleotide variant.
Coding change: c.947T>C on transcript NM_001365999.1 (MANE Select); coding-DNA position 947, T replaced by C.
Protein change: p.Ile316Thr; replaces isoleucine 316 with threonine.
Molecular consequence: missense variant.
Genome position (GRCh38, 1-based): chr1:43,419,801, T>C. VCF-style: chr1-43419801-T-C. GRCh37 (hg19) VCF-style: chr1-43885472-T-C.
Other names: c.947T>C, p.Ile316Thr (NM_015284.4); short protein forms I316T.
Identifiers: ClinVar variation 954514 (VCV000954514.9), dbSNP rs1444654654, ClinGen allele CA340005971.